The following is an entry in ClinVar:

ClinVar aggregate classification (germline): Uncertain significance (1 of 4 stars; one submission).

Conditions:
Cardiovascular phenotype. Identifiers: MedGen CN230736.

Submission:

Ambry Genetics
Classification: Uncertain significance for Cardiovascular phenotype. Last evaluated: 2015-12-23. Review status: criteria provided, single submitter. Criteria: Ambry Variant Classification Scheme 2023. Collection method: clinical testing. Allele origin: germline.
Comment: The p.F781L variant (also known as c.2343C>G), located in coding exon 9 of the KCNH2 gene, results from a C to G substitution at nucleotide position 2343. The phenylalanine at codon 781 is replaced by leucine, an amino acid with highly similar properties. This variant was not reported in population based cohorts in the following databases: Database of Single Nucleotide Polymorphisms (dbSNP), NHLBI Exome Sequencing Project (ESP), and 1000 Genomes Project. In the ESP, this variant was not observed in 6503 samples (13006 alleles) with coverage at this position. This amino acid position is highly conserved in available vertebrate species. In addition, this alteration is predicted to be deleterious by in silico analysis. Since supporting evidence is limited at this time, the clinical significance of this variant remains unclear.

NM_000238.4(KCNH2):c.2343C>G (p.Phe781Leu)

Gene: KCNH2 (potassium voltage-gated channel subfamily H member 2; minus strand). Cytogenetic location: 7q36.1.
Variant type: single nucleotide variant.
Coding change: c.2343C>G on transcript NM_000238.4 (MANE Select); coding-DNA position 2343, C replaced by G.
Protein change: p.Phe781Leu; replaces phenylalanine 781 with leucine.
Molecular consequence: missense variant.
Genome position (GRCh38, 1-based): chr7:150,950,223, G>C on the plus strand (C>G on the coding strand, the complement: KCNH2 is on the minus strand). VCF-style: chr7-150950223-G-C. GRCh37 (hg19) VCF-style: chr7-150647311-G-C.
Other names: c.1323C>G, p.Phe441Leu (NM_001204798.2, NM_172057.3); c.2055C>G, p.Phe685Leu (NM_001406753.1, NM_001406756.1); c.2166C>G, p.Phe722Leu (NM_001406755.1); c.2043C>G, p.Phe681Leu (NM_001406757.1); c.2343C>G, p.Phe781Leu (NM_172056.3); short protein forms F441L, F781L, F681L, F685L, F722L.
Identifiers: ClinVar variation 264633 (VCV000264633.7), dbSNP rs886039215, ClinGen allele CA10587643.